The following is an entry in ClinVar:

NM_005219.5(DIAPH1):c.1369C>T (p.Leu457Phe)

Gene: DIAPH1 (diaphanous related formin 1; minus strand). Cytogenetic location: 5q31.3.
Variant type: single nucleotide variant.
Coding change: c.1369C>T on transcript NM_005219.5 (MANE Select); coding-DNA position 1369, C replaced by T.
Protein change: p.Leu457Phe; replaces leucine 457 with phenylalanine.
Molecular consequence: missense variant.
Genome position (GRCh38, 1-based): chr5:141,576,783, G>A on the plus strand (C>T on the coding strand, the complement: DIAPH1 is on the minus strand). VCF-style: chr5-141576783-G-A. GRCh37 (hg19) VCF-style: chr5-140956350-G-A.
Other names: c.1342C>T, p.Leu448Phe (NM_001079812.3); c.1369C>T, p.Leu457Phe (NM_001314007.2); short protein forms L448F, L457F.
Identifiers: ClinVar variation 1720522 (VCV001720522.6), dbSNP rs2513751792, ClinGen allele CA361527541.

ClinVar aggregate classification (germline): Uncertain significance (1 of 4 stars; one submission).

Conditions:
Progressive microcephaly-seizures-cortical blindness-developmental delay syndrome. Also called: Seizures, cortical blindness, and microcephaly syndrome. Identifiers: Orphanet 477814, MedGen C5567650, MONDO:0014714, OMIM 616632.
Autosomal dominant nonsyndromic hearing loss 1. Also called: KONIGSMARK SYNDROME; DEAFNESS, AUTOSOMAL DOMINANT 1, WITH OR WITHOUT THROMBOCYTOPENIA. Identifiers: Orphanet 90635, MedGen C1852282, MONDO:0007424, OMIM 124900.

Allele frequency attached by ClinVar (database versions not stated): gnomAD exomes below 0.00001.
gnomAD v4.1: 1 of 1,613,492 alleles (0.000062%); highest among the groups gnomAD compares: South Asian, 0.0011%; no homozygotes.

Submission:

Labcorp Genetics (formerly Invitae), Labcorp
Classification: Uncertain significance for Progressive microcephaly-seizures-cortical blindness-developmental delay syndrome; Autosomal dominant nonsyndromic hearing loss 1. Last evaluated: 2022-09-27. Review status: criteria provided, single submitter. Criteria: Invitae Variant Classification Sherloc (09022015). Collection method: clinical testing. Allele origin: germline.
Comment: In summary, the available evidence is currently insufficient to determine the role of this variant in disease. Therefore, it has been classified as a Variant of Uncertain Significance. Algorithms developed to predict the effect of missense changes on protein structure and function are either unavailable or do not agree on the potential impact of this missense change (SIFT: "Tolerated"; PolyPhen-2: "Not Available"; Align-GVGD: "Class C0"). This variant has not been reported in the literature in individuals affected with DIAPH1-related conditions. This variant is not present in population databases (gnomAD no frequency). This sequence change replaces leucine, which is neutral and non-polar, with phenylalanine, which is neutral and non-polar, at codon 457 of the DIAPH1 protein (p.Leu457Phe).